The following is an entry in ClinVar:

NM_000936.4(PNLIP):c.1319C>T (p.Thr440Ile)

Gene: PNLIP (pancreatic lipase; plus strand). Cytogenetic location: 10q25.3.
Variant type: single nucleotide variant.
Coding change: c.1319C>T on transcript NM_000936.4 (MANE Select); coding-DNA position 1319, C replaced by T.
Protein change: p.Thr440Ile; replaces threonine 440 with isoleucine.
Molecular consequence: missense variant.
Genome position (GRCh38, 1-based): chr10:116,561,621, C>T. VCF-style: chr10-116561621-C-T. GRCh37 (hg19) VCF-style: chr10-118321133-C-T.
Other names: c.1319C>T (NM_000936.2); short protein forms T440I.
Identifiers: ClinVar variation 2012502 (VCV002012502.6), dbSNP rs1367118676, ClinGen allele CA378498437.

ClinVar aggregate classification (germline): Uncertain significance. Review status: criteria provided, multiple submitters, no conflicts (2 of 4 stars). 2 submissions from 2 submitters: Uncertain significance (2). Last evaluated 2023-02-14.

Allele frequency attached by ClinVar (database versions not stated): TOPMed below 0.00001.
gnomAD v4.1: 1 of 1,610,326 alleles (0.000062%); highest among the groups gnomAD compares: Non-Finnish European, 0.000085%; no homozygotes.

Submissions (2):

Ambry Genetics
Classification: Uncertain significance. Last evaluated: 2023-02-14. Review status: criteria provided, single submitter. Criteria: Ambry Variant Classification Scheme 2023. Collection method: clinical testing. Allele origin: germline.

Labcorp Genetics (formerly Invitae), Labcorp
Classification: Uncertain significance. Last evaluated: 2022-08-08. Review status: criteria provided, single submitter. Criteria: Invitae Variant Classification Sherloc (09022015). Collection method: clinical testing. Allele origin: germline.
Comment: In summary, the available evidence is currently insufficient to determine the role of this variant in disease. Therefore, it has been classified as a Variant of Uncertain Significance. Algorithms developed to predict the effect of missense changes on protein structure and function are either unavailable or do not agree on the potential impact of this missense change (SIFT: "Not Available"; PolyPhen-2: "Benign"; Align-GVGD: "Not Available"). This variant has not been reported in the literature in individuals affected with PNLIP-related conditions. This variant is not present in population databases (gnomAD no frequency). This sequence change replaces threonine, which is neutral and polar, with isoleucine, which is neutral and non-polar, at codon 440 of the PNLIP protein (p.Thr440Ile).